The following is an entry in ClinVar:

ClinVar aggregate classification (germline): Uncertain significance (1 of 4 stars; one submission).

Conditions:
Leber congenital amaurosis 5 (LCA5). Also called: Amaurosis congenita of Leber, type 5. Identifiers: Orphanet 65, MedGen C1858301, MONDO:0011473, OMIM 604537.

Submission:

OLLIN Analises Genomicas, OLLIN
Classification: Uncertain significance for Leber congenital amaurosis 5. Last evaluated: 2026-08-06. Review status: criteria provided, single submitter. Criteria: ACMG Guidelines 2015 PMID 25741868. Collection method: clinical testing. Allele origin: germline.
Comment: This frameshift variant, located in exon 8 (of 8), is absent from gnomAD and ClinVar and has not been identified in the literature. This variant causes a frameshift and introduces a premature stop codon, which is predicted to result in either a truncated protein or degradation of the mRNA via nonsense-mediated decay (NMD). According to the currently available evidence, this variant has been classified as uncertain significance (PVS1_S, PM2_P).

NM_001122769.3(LCA5):c.1821_1822del (p.Gln607fs)

Gene: LCA5 (lebercilin LCA5; minus strand). Cytogenetic location: 6q14.1.
Variant type: Deletion.
Coding change: c.1821_1822del on transcript NM_001122769.3 (MANE Select); coding-DNA positions 1821 to 1822, 2 bases deleted (GT; older notation c.1821_1822delGT).
Protein change: p.Gln607fs; shifts the reading frame from glutamine 607.
Molecular consequence: frameshift variant.
Genome position (GRCh38, 1-based): chr6:79,487,276-79,487,277, AC deleted on the plus strand (GT on the coding strand, the reverse complement: LCA5 is on the minus strand). VCF-style (leftmost placement, unchanged base first): chr6-79487275-AAC-A. GRCh37 (hg19) VCF-style: chr6-80196992-AAC-A.
Other names: c.1821_1822del, p.Gln607fs (NM_181714.4); short protein forms Q607fs.
Identifiers: ClinVar variation 5003046 (VCV005003046.1).
Genomic context (GRCh38, chr6:79,487,275, plus strand): 5'-GCCACAGAATTTGGGTCACTGCTTTTGGAGGAAATGGTGCTGCTACCACTGGCACCAAAT[AAC>A]TGTTCCATCAAATTAGCTTTTTTCTCTTTTCTTGTAATTAAATCTACACCATCTTTACTA-3'